The following is an entry in ClinVar:

NM_001999.4(FBN2):c.2150G>T (p.Arg717Leu)

Gene: FBN2 (fibrillin 2; minus strand). Cytogenetic location: 5q23.3.
Variant type: single nucleotide variant.
Coding change: c.2150G>T on transcript NM_001999.4 (MANE Select); coding-DNA position 2150, G replaced by T.
Protein change: p.Arg717Leu; replaces arginine 717 with leucine.
Molecular consequence: missense variant.
Genome position (GRCh38, 1-based): chr5:128,369,280, C>A on the plus strand (G>T on the coding strand, the complement: FBN2 is on the minus strand). VCF-style: chr5-128369280-C-A. GRCh37 (hg19) VCF-style: chr5-127704973-C-A.
Other names: short protein forms R717L.
Identifiers: ClinVar variation 1307564 (VCV001307564.2), dbSNP rs773896695, ClinGen allele CA360739161.

ClinVar aggregate classification (germline): Uncertain significance (1 of 4 stars; one submission).

Submission:

GeneDx
Classification: Uncertain significance. Last evaluated: 2019-07-29. Review status: criteria provided, single submitter. Criteria: GeneDx Variant Classification Process June 2021. Collection method: clinical testing. Allele origin: germline. Affected: yes.
Comment: Has not been previously published as pathogenic or benign to our knowledge; Not observed in large population cohorts (Lek et al., 2016); In silico analysis, which includes protein predictors and evolutionary conservation, supports a deleterious effect; Does not affect a cysteine residue within a calcium-binding EGF-like domain of the FBN2 gene; cysteine substitutions in the calcium-binding EGF-like domains represent the majority of pathogenic missense changes associated with FBN2-related disorders (Collod-Beroud et al., 2003; Frederic et al, 2009).